The following is an entry in ClinVar:

NM_004525.3(LRP2):c.4597A>G (p.Ile1533Val)

Gene: LRP2 (LDL receptor related protein 2; minus strand). Cytogenetic location: 2q31.1.
Variant type: single nucleotide variant.
Coding change: c.4597A>G on transcript NM_004525.3 (MANE Select); coding-DNA position 4597, A replaced by G.
Protein change: p.Ile1533Val; replaces isoleucine 1533 with valine.
Molecular consequence: missense variant.
Genome position (GRCh38, 1-based): chr2:169,237,197, T>C on the plus strand (A>G on the coding strand, the complement: LRP2 is on the minus strand). VCF-style: chr2-169237197-T-C. GRCh37 (hg19) VCF-style: chr2-170093707-T-C.
Other names: short protein forms I1533V.
Identifiers: ClinVar variation 1460939 (VCV001460939.5), dbSNP rs766711397, ClinGen allele CA1954768.

ClinVar aggregate classification (germline): Uncertain significance (1 of 4 stars; one submission).

Allele frequency attached by ClinVar (database versions not stated): gnomAD exomes below 0.00001 and 0.00002; ExAC 0.00001; gnomAD 0.00001; TOPMed 0.00002.
gnomAD v4.1: 12 of 1,613,640 alleles (0.00074%); highest among the groups gnomAD compares: Non-Finnish European, 0.001%; no homozygotes.

Submission:

Labcorp Genetics (formerly Invitae), Labcorp
Classification: Uncertain significance. Last evaluated: 2021-08-13. Review status: criteria provided, single submitter. Criteria: Invitae Variant Classification Sherloc (09022015). Collection method: clinical testing. Allele origin: germline.
Comment: This sequence change replaces isoleucine with valine at codon 1533 of the LRP2 protein (p.Ile1533Val). The isoleucine residue is highly conserved and there is a small physicochemical difference between isoleucine and valine. This variant is present in population databases (rs766711397, ExAC 0.001%). This variant has not been reported in the literature in individuals affected with LRP2-related conditions. Advanced modeling of protein sequence and biophysical properties (such as structural, functional, and spatial information, amino acid conservation, physicochemical variation, residue mobility, and thermodynamic stability) performed at Invitae indicates that this missense variant is not expected to disrupt LRP2 protein function. Algorithms developed to predict the effect of sequence changes on RNA splicing suggest that this variant may create or strengthen a splice site. In summary, the available evidence is currently insufficient to determine the role of this variant in disease. Therefore, it has been classified as a Variant of Uncertain Significance.